The following is an entry in ClinVar:

NM_152328.5(ADSS1):c.769G>A (p.Ala257Thr)

Gene: ADSS1 (adenylosuccinate synthase 1; plus strand). Cytogenetic location: 14q32.33.
Variant type: single nucleotide variant.
Coding change: c.769G>A on transcript NM_152328.5 (MANE Select); coding-DNA position 769, G replaced by A.
Protein change: p.Ala257Thr; replaces alanine 257 with threonine.
Molecular consequence: missense variant.
Genome position (GRCh38, 1-based): chr14:104,741,219, G>A. VCF-style: chr14-104741219-G-A. GRCh37 (hg19) VCF-style: chr14-105207556-G-A.
Other names: c.154G>A, p.Ala52Thr (NM_001320424.1); c.898G>A, p.Ala300Thr (NM_199165.2); short protein forms A300T, A257T, A52T.
Identifiers: ClinVar variation 983554 (VCV000983554.7), dbSNP rs753588351, ClinGen allele CA7373839.

ClinVar aggregate classification (germline): Conflicting classifications of pathogenicity. Review status: criteria provided, conflicting classifications (1 of 4 stars). 4 submissions from 4 submitters: Likely pathogenic (2); Uncertain significance (1). 1 of the submissions does not count toward it. Last evaluated 2025-07-14.

Conditions:
Myopathy, distal, 5 (MPD5). Also called: Adenylosuccinate synthetase-like 1-related distal myopathy. Identifiers: Orphanet 482601, MedGen C5567521, MONDO:0014877, OMIM 617030.

Allele frequency attached by ClinVar (database versions not stated): TOPMed 0.00002; ExAC 0.00003; gnomAD 0.00001; gnomAD exomes 0.00002.

Submissions (4):

First Genomix Gene Laboratory, Genetic Diagnostics Department
Classification: Likely pathogenic for Myopathy, distal, 5. Last evaluated: 2025-07-14. Review status: criteria provided, single submitter. Criteria: ACMG Guidelines, 2015. Collection method: clinical testing. Allele origin: germline. Inheritance: Autosomal recessive inheritance. Affected: no. Observed: 1 variant allele.

Kariminejad - Najmabadi Pathology & Genetics Center
Classification: Likely pathogenic for Myopathy, distal, 5. Last evaluated: 2023-11-20. Review status: criteria provided, single submitter. Criteria: ACMG Guidelines, 2015. Collection method: clinical testing. Allele origin: germline. Inheritance: Autosomal recessive inheritance. Affected: yes.
Comment: PM2,PP3_supporting,PP5

Labcorp Genetics (formerly Invitae), Labcorp
Classification: Uncertain significance. Last evaluated: 2021-08-13. Review status: criteria provided, single submitter. Criteria: Invitae Variant Classification Sherloc (09022015). Collection method: clinical testing. Allele origin: germline.

OMIM
Classification: Pathogenic for MYOPATHY, DISTAL, 5. Last evaluated: 2020-11-06. Review status: no assertion criteria provided. Collection method: literature only. Allele origin: germline. Not counted in ClinVar's aggregate classification.

Literature cited by the submitters: PubMed 32331917 (cited by OMIM).